The following is an entry in ClinVar:

ClinVar aggregate classification (germline): Conflicting classifications of pathogenicity. Review status: criteria provided, conflicting classifications (1 of 4 stars). 5 submissions from 5 submitters: Pathogenic (2); Likely pathogenic (1); Uncertain significance (2). Last evaluated 2025-01-08.

Conditions:
MYH11-related disorder. Also called: MYH11-related condition.
Familial thoracic aortic aneurysm and aortic dissection (TAAD). Also called: Thoracic aortic aneurysms and dissections. Identifiers: Orphanet 91387, MedGen C4707243, MONDO:0019625.
Aortic aneurysm, familial thoracic 4 (AAT4). Also called: AORTIC ANEURYSM/AORTIC DISSECTION AND PATENT DUCTUS ARTERIOSUS. Identifiers: MedGen C1851504, MONDO:0007568, OMIM 132900.

Submissions (5):

Labcorp Genetics (formerly Invitae), Labcorp
Classification: Uncertain significance for Aortic aneurysm, familial thoracic 4. Last evaluated: 2025-01-08. Review status: criteria provided, single submitter. Criteria: Invitae Variant Classification Sherloc (09022015). Collection method: clinical testing. Allele origin: germline.
Comment: This sequence change falls in intron 33 of the MYH11 gene. It does not directly change the encoded amino acid sequence of the MYH11 protein. It affects a nucleotide within the consensus splice site. This variant is not present in population databases (gnomAD no frequency). This variant has not been reported in the literature in individuals affected with MYH11-related conditions. ClinVar contains an entry for this variant (Variation ID: 201111). Variants that disrupt the consensus splice site are a relatively common cause of aberrant splicing (PMID: 17576681, 9536098). Algorithms developed to predict the effect of sequence changes on RNA splicing suggest that this variant may disrupt the consensus splice site. In summary, the available evidence is currently insufficient to determine the role of this variant in disease. Therefore, it has been classified as a Variant of Uncertain Significance.

Ambry Genetics
Classification: Uncertain significance for Familial thoracic aortic aneurysm and aortic dissection. Last evaluated: 2024-09-13. Review status: criteria provided, single submitter. Criteria: Ambry Variant Classification Scheme 2023. Collection method: clinical testing. Allele origin: germline.
Comment: The c.4578+2dupT intronic variant is located 2 nucleotide(s) after coding exon 31 in the MYH11 gene. This variant results from a duplication of 1 nucleotide at position c.4578+2. This variant does not change the sequence of the canonical donor at this splice site. This nucleotide position is highly conserved in available vertebrate species. In silico splice site analysis predicts that this alteration may weaken the native splice donor site and may result in the creation or strengthening of a novel splice donor site. Based on the available evidence, the clinical significance of this variant remains unclear.

Blueprint Genetics
Classification: Likely pathogenic for MYH11-related disorders. Last evaluated: 2020-04-29. Review status: criteria provided, single submitter. Criteria: ACMG Guidelines, 2015. Collection method: clinical testing. Allele origin: germline. Affected: yes. Observed: 2 variant alleles.

Cambridge Genomics Laboratory, East Genomic Laboratory Hub, NHS Genomic Medicine Service
Classification: Pathogenic for Familial thoracic aortic aneurysm and aortic dissection. Last evaluated: 2019-08-15. Review status: criteria provided, single submitter. Criteria: ACGS Best Practice Guidelines for Variant Classification in Rare Disease 2020. Collection method: clinical testing. Allele origin: germline. Affected: yes. Observed: 1 variant allele.

GeneDx
Classification: Pathogenic for Thoracic aortic aneurysms and aortic dissections. Last evaluated: 2014-07-17. Review status: criteria provided, single submitter. Criteria: GeneDx Variant Classification (06012015). Collection method: clinical testing. Allele origin: germline. Affected: yes.
Comment: c.4578+2dupT: IVS32+2_IVS32+3insT (aka IVS32+2dupT) ->T in intron 32 of the MYH11 gene (NM_002474.2). Although the c.4578+2dupT mutation has not been reported as a disease-causing mutation or as a benign polymorphism to our knowledge, in silico splice prediction algorithms predict that this mutation destroys the canonical splice donor site in intron 32, resulting in abnormal gene splicing. The mutation is predicted to lead to either an abnormal message that is subject to nonsense-mediated mRNA decay, or to an abnormal protein product if the message is used for protein translation. In summary, c.4578+2dupT in the MYH11 gene is interpreted as a disease-causing mutation. Similar splice donor site mutations in the MYH11 gene (IVS32+1G>A, IVS32+1G>T) have been published in association with a TAAD phenotype with patent ductus arteriosus (Zhu L et al., 2006; Renard M et al., 2013). These mutations were predicted to result in skipping of exon 32, resulting in an in-frame deletion of 71 amino acids in the a-helical coiled coil domain of the smooth muscle myosin heavy chain that would impair its assembly with a homodimeric counterpart, supporting a dominant-negative effect for MYH11 mutations. The variant is found in TAAD panel(s).

Literature cited by the submitters: PubMed 17576681 (cited by Labcorp Genetics (formerly Invitae), Labcorp); PubMed 9536098 (cited by Labcorp Genetics (formerly Invitae), Labcorp).

NM_002474.3(MYH11):c.4578+2dup

Genes: MYH11 (myosin heavy chain 11; minus strand), NDE1 (nudE neurodevelopment protein 1; plus strand). Cytogenetic location: 16p13.11.
Variant type: Duplication.
Coding change: c.4578+2dup on transcript NM_002474.3 (MANE Select); the canonical splice donor site of the intron after coding-DNA position 4578, one base duplicated (T; older notation c.4578+2dupT).
Molecular consequence: splice donor variant. On other transcripts: intron variant (2).
Genome position (GRCh38, 1-based): chr16:15,721,420, A duplicated on the plus strand (T on the coding strand, the reverse complement: MYH11 is on the minus strand). VCF-style (leftmost placement, unchanged base first): chr16-15721419-T-TA. GRCh37 (hg19) VCF-style: chr16-15815276-T-TA.
Other names: c.948-2771dup (NM_001143979.2, NM_017668.3); c.4578+2dup (NM_022844.3); c.4599+2dup (NM_001040114.2, NM_001040113.2); c.4599+2dupT (NM_001040114.1).
Identifiers: ClinVar variation 201111 (VCV000201111.7), dbSNP rs794728677, ClinGen allele CA306672.
Genomic context (GRCh38, chr16:15,721,419, plus strand): 5'-GTGAATAGCACAGAGGGTGGGCAGGCGAAACATGGACGAGAAAAACCACCCAGAGCCACT[T>TA]ACGTTCTTGCCCACGTCATCCTTGGAGCTGACCAGGTCTTCCATTTCGGCTTTGAGCATT-3'